The following is an entry in ClinVar:

NM_000135.4(FANCA):c.4099C>T (p.Leu1367Phe)

Genes: FANCA (FA complementation group A; minus strand), ZNF276 (zinc finger protein 276; plus strand). Cytogenetic location: 16q24.3.
Variant type: single nucleotide variant.
Coding change: c.4099C>T on transcript NM_000135.4 (MANE Select); coding-DNA position 4099, C replaced by T.
Protein change: p.Leu1367Phe; replaces leucine 1367 with phenylalanine.
Molecular consequence: missense variant. On other transcripts: 3 prime UTR variant (2), non-coding transcript variant (4).
Genome position (GRCh38, 1-based): chr16:89,739,201, G>A on the plus strand (C>T on the coding strand, the complement: FANCA is on the minus strand). VCF-style: chr16-89739201-G-A. GRCh37 (hg19) VCF-style: chr16-89805609-G-A.
Other names: c.4099C>T, p.Leu1367Phe (NM_001286167.3); c.*955G>A (NM_001113525.2, NM_152287.4); short protein forms L1367F.
Identifiers: ClinVar variation 2197243 (VCV002197243.2), dbSNP rs2062056417, ClinGen allele CA397484409.

ClinVar aggregate classification (germline): Uncertain significance. Review status: criteria provided, multiple submitters, no conflicts (2 of 4 stars). 2 submissions from 2 submitters: Uncertain significance (2). Last evaluated 2024-11-25.

Conditions:
Inborn genetic diseases. Identifiers: MedGen C0950123, MeSH D030342.
Fanconi anemia (FA). Also called: Fanconi's anemia. Identifiers: Orphanet 84, MedGen C0015625, MeSH D005199, MONDO:0019391.

Submissions (2):

Ambry Genetics
Classification: Uncertain significance for Inborn genetic diseases. Last evaluated: 2024-11-25. Review status: criteria provided, single submitter. Criteria: Ambry Variant Classification Scheme 2023. Collection method: clinical testing. Allele origin: germline.
Comment: The p.L1367F variant (also known as c.4099C>T), located in coding exon 41 of the FANCA gene, results from a C to T substitution at nucleotide position 4099. The leucine at codon 1367 is replaced by phenylalanine, an amino acid with highly similar properties. This amino acid position is conserved. In addition, this alteration is predicted to be deleterious by in silico analysis. Based on the available evidence, the clinical significance of this variant remains unclear.

Labcorp Genetics (formerly Invitae), Labcorp
Classification: Uncertain significance for Fanconi anemia. Last evaluated: 2022-01-26. Review status: criteria provided, single submitter. Criteria: Invitae Variant Classification Sherloc (09022015). Collection method: clinical testing. Allele origin: germline.
Comment: This sequence change replaces leucine, which is neutral and non-polar, with phenylalanine, which is neutral and non-polar, at codon 1367 of the FANCA protein (p.Leu1367Phe). This variant is not present in population databases (gnomAD no frequency). This variant has not been reported in the literature in individuals affected with FANCA-related conditions. Advanced modeling of protein sequence and biophysical properties (such as structural, functional, and spatial information, amino acid conservation, physicochemical variation, residue mobility, and thermodynamic stability) performed at Invitae indicates that this missense variant is expected to disrupt FANCA protein function. In summary, the available evidence is currently insufficient to determine the role of this variant in disease. Therefore, it has been classified as a Variant of Uncertain Significance.